The following is an entry in ClinVar:

NM_001042492.3(NF1):c.6006+2T>G

Gene: NF1 (neurofibromin 1; plus strand). Cytogenetic location: 17q11.2.
Variant type: single nucleotide variant.
Coding change: c.6006+2T>G on transcript NM_001042492.3 (MANE Select); the canonical splice donor site of the intron after coding-DNA position 6006, T replaced by G.
Molecular consequence: splice donor variant.
Genome position (GRCh38, 1-based): chr17:31,335,033, T>G. VCF-style: chr17-31335033-T-G. GRCh37 (hg19) VCF-style: chr17-29662051-T-G.
Other names: c.5943+2T>G (NM_000267.4, NM_000267.3).
Identifiers: ClinVar variation 1176683 (VCV001176683.36), dbSNP rs1258498548, ClinGen allele CA399010986.

ClinVar aggregate classification (germline): Pathogenic/Likely pathogenic. Review status: criteria provided, multiple submitters, no conflicts (2 of 4 stars). 2 submissions from 2 submitters: Pathogenic (1); Likely pathogenic (1). Last evaluated 2026-03-30.

Conditions:
Hereditary cancer-predisposing syndrome. Also called: Hereditary neoplastic syndrome; Hereditary Cancer Syndrome; Neoplastic Syndromes, Hereditary; Tumor predisposition. Identifiers: Orphanet 140162, MedGen C0027672, MeSH D009386, MONDO:0015356.
Cardiovascular phenotype. Identifiers: MedGen CN230736.

Submissions (2):

Ambry Genetics
Classification: Likely pathogenic for Cardiovascular phenotype; Hereditary cancer-predisposing syndrome. Last evaluated: 2026-03-30. Review status: criteria provided, single submitter. Criteria: Ambry Variant Classification Scheme 2023. Collection method: clinical testing. Allele origin: germline.
Comment: The c.5943+2T>G intronic variant results from a T to G substitution two nucleotides after coding exon 39 in the NF1 gene. This variant was reported in individual(s) with features consistent with neurofibromatosis Type 1 (Sabbagh A et al. Hum Mutat, 2013 Nov;34:1510-8). This variant is considered to be rare based on population cohorts in the Genome Aggregation Database (gnomAD). This nucleotide position is highly conserved in available vertebrate species. In silico splice site analysis predicts that this alteration will weaken the native splice donor site and will result in the creation or strengthening of a novel splice donor site. Based on the majority of available evidence to date, this variant is likely to be pathogenic.

CeGaT Center for Human Genetics Tuebingen
Classification: Pathogenic. Last evaluated: 2021-03-01. Review status: criteria provided, single submitter. Criteria: CeGaT Center For Human Genetics Tuebingen Variant Classification Criteria Version 2. Collection method: clinical testing. Allele origin: germline. Affected: yes. Observed: 1 variant allele.

Literature cited by the submitters: PubMed 23913538 (cited by Ambry Genetics).